The following is an entry in ClinVar:

NM_004560.4(ROR2):c.1399G>C (p.Glu467Gln)

Gene: ROR2 (receptor tyrosine kinase like orphan receptor 2; minus strand). Cytogenetic location: 9q22.31.
Variant type: single nucleotide variant.
Coding change: c.1399G>C on transcript NM_004560.4 (MANE Select); coding-DNA position 1399, G replaced by C.
Protein change: p.Glu467Gln; replaces glutamic acid 467 with glutamine.
Molecular consequence: missense variant.
Genome position (GRCh38, 1-based): chr9:91,725,095, C>G on the plus strand (G>C on the coding strand, the complement: ROR2 is on the minus strand). VCF-style: chr9-91725095-C-G. GRCh37 (hg19) VCF-style: chr9-94487377-C-G.
Other names: short protein forms E467Q.
Identifiers: ClinVar variation 1434703 (VCV001434703.9), dbSNP rs780576494, ClinGen allele CA5120692.

ClinVar aggregate classification (germline): Uncertain significance. Review status: criteria provided, multiple submitters, no conflicts (2 of 4 stars). 2 submissions from 2 submitters: Uncertain significance (2). Last evaluated 2025-03-17.

Conditions:
Brachydactyly type B1 (BDB1). Identifiers: Orphanet 572385, Orphanet 93383, MedGen C1862112, MONDO:0007220, OMIM 113000.
Autosomal recessive Robinow syndrome (RRS1). Also called: ROBINOW SYNDROME, AUTOSOMAL RECESSIVE 1; ROR2-Related Robinow Syndrome; COSTOVERTEBRAL SEGMENTATION DEFECT WITH MESOMELIA; COVESDEM SYNDROME. Identifiers: Orphanet 1507, Orphanet 97360, MedGen C5399974, MONDO:0009999, OMIM 268310.

Allele frequency attached by ClinVar (database versions not stated): ExAC 0.00001; gnomAD 0.00002 and 0.00003; gnomAD exomes 0.00002 and 0.00007; TOPMed 0.00002.
gnomAD v4.1: 104 of 1,613,828 alleles (0.0064%); highest among the groups gnomAD compares: Non-Finnish European, 0.0082%; no homozygotes.

Submissions (2):

Labcorp Genetics (formerly Invitae), Labcorp
Classification: Uncertain significance. Last evaluated: 2025-03-17. Review status: criteria provided, single submitter. Criteria: Invitae Variant Classification Sherloc (09022015). Collection method: clinical testing. Allele origin: germline.
Comment: This sequence change replaces glutamic acid, which is acidic and polar, with glutamine, which is neutral and polar, at codon 467 of the ROR2 protein (p.Glu467Gln). This variant is present in population databases (rs780576494, gnomAD 0.005%). This variant has not been reported in the literature in individuals affected with ROR2-related conditions. ClinVar contains an entry for this variant (Variation ID: 1434703). Invitae Evidence Modeling of protein sequence and biophysical properties (such as structural, functional, and spatial information, amino acid conservation, physicochemical variation, residue mobility, and thermodynamic stability) indicates that this missense variant is not expected to disrupt ROR2 protein function with a negative predictive value of 80%. In summary, the available evidence is currently insufficient to determine the role of this variant in disease. Therefore, it has been classified as a Variant of Uncertain Significance.

Fulgent Genetics
Classification: Uncertain significance for Brachydactyly type B1; Autosomal recessive Robinow syndrome. Last evaluated: 2021-12-06. Review status: criteria provided, single submitter. Criteria: ACMG Guidelines, 2015. Collection method: clinical testing. Allele origin: unknown.